The following is an entry in ClinVar:

NM_001201427.2(DAAM2):c.2484C>T (p.Ile828=)

Genes: DAAM2 (dishevelled associated activator of morphogenesis 2; plus strand), DAAM2-AS1 (DAAM2 antisense RNA 1; minus strand). Cytogenetic location: 6p21.2.
Variant type: single nucleotide variant.
Coding change: c.2484C>T on transcript NM_001201427.2 (MANE Select); coding-DNA position 2484, C replaced by T.
Protein change: p.Ile828=; no amino-acid change (isoleucine 828 retained).
Molecular consequence: synonymous variant.
Genome position (GRCh38, 1-based): chr6:39,896,954, C>T. VCF-style: chr6-39896954-C-T. GRCh37 (hg19) VCF-style: chr6-39864730-C-T.
Other names: c.2484C>T, p.Ile828= (NM_015345.4).
Identifiers: ClinVar variation 3059968 (VCV003059968.2), dbSNP rs3008815, ClinGen allele CA3795296.

ClinVar aggregate classification (germline): Benign (0 of 4 stars; one submission).

Conditions:
DAAM2-related disorder. Also called: DAAM2-related condition.

Allele frequency attached by ClinVar (database versions not stated): 1000 Genomes Project 0.46246; 1000 Genomes Project 30x 0.46299; ESP Exome Variant Server 0.47786; TOPMed 0.48417; gnomAD 0.48672.
gnomAD v4.1: 830,434 of 1,610,908 alleles (52%); highest among the groups gnomAD compares: Middle Eastern, 60%; 215,803 homozygotes.

Submission:

PreventionGenetics, part of Exact Sciences
Classification: Benign for DAAM2-related condition. Last evaluated: 2019-10-17. Review status: no assertion criteria provided. Collection method: clinical testing. Allele origin: germline.
Comment: This variant is classified as benign based on ACMG/AMP sequence variant interpretation guidelines (Richards et al. 2015 PMID: 25741868, with internal and published modifications).